The following is an entry in ClinVar:

NM_000492.4(CFTR):c.327T>G (p.Tyr109Ter)

Gene: CFTR (CF transmembrane conductance regulator; plus strand). Cytogenetic location: 7q31.2.
Variant type: single nucleotide variant.
Coding change: c.327T>G on transcript NM_000492.4 (MANE Select); coding-DNA position 327, T replaced by G.
Protein change: p.Tyr109Ter; replaces tyrosine 109 with a stop codon.
Molecular consequence: nonsense.
Genome position (GRCh38, 1-based): chr7:117,530,952, T>G. VCF-style: chr7-117530952-T-G. GRCh37 (hg19) VCF-style: chr7-117171006-T-G.
Other names: c.327T>G (NM_000492.3); short protein forms Y109*.
Identifiers: ClinVar variation 1065566 (VCV001065566.2), dbSNP rs397508528, ClinGen allele CA368974384.

ClinVar aggregate classification (germline): Pathogenic/Likely pathogenic. Review status: criteria provided, multiple submitters, no conflicts (2 of 4 stars). 2 submissions from 2 submitters: Pathogenic (1); Likely pathogenic (1). Last evaluated 2025-08-07.

Conditions:
CFTR-related disorder (CFTR-RD). Also called: CFTR-related condition; CFTR-related disorders. Identifiers: MedGen C5924204, MONDO:7770004.
Cystic fibrosis (CF). Also called: MUCOVISCIDOSIS. Identifiers: Orphanet 586, MedGen C0010674, MONDO:0009061, OMIM 219700. Disease mechanism: loss of function.

Submissions (2):

Natera, Inc.
Classification: Pathogenic for CFTR-related disorders. Last evaluated: 2025-08-07. Review status: criteria provided, single submitter. Criteria: Natera Variant Classification Schema (03/2026). Collection method: clinical testing. Allele origin: germline.
Comment: The c.327T>G variant in CFTR is a nonsense variant predicted to introduce a stop codon at amino acid 109. This variant is expected to result in nonsense mediated decay, truncation, or a dysfunctional protein product. This variant is rare in the general population with a frequency below the threshold expected for the associated phenotype(s). Functional studies show that this variant may disrupt protein function (PMID: 37422433). Given the available evidence, this variant is classified as Pathogenic.

NxGen MDx
Classification: Likely pathogenic for Cystic fibrosis. Last evaluated: 2021-02-01. Review status: criteria provided, single submitter. Criteria: ACMG Guidelines, 2015. Collection method: clinical testing. Allele origin: unknown.
Comment: This nonsense variant (c.327T>G) on exon 4 of CFTR results in premature termination (p.Tyr109Ter) expected to result in loss of function (PVS1). This variant is not found in gnomAD databases (PM2) and several computational models predict pathogenicity (PP3). An alternate allele (codon TAA), c.327T>A (p.Tyr109Ter) is reported as pathogenic in Feuillet-Fieux et al., PMID 15025720. We interpret c.327T>G to be likely pathogenic.

Literature cited by the submitters: PubMed 37422433 (cited by Natera, Inc.); PubMed 15025720 (cited by NxGen MDx).